The following is an entry in ClinVar:

NM_005236.3(ERCC4):c.2105G>A (p.Arg702Gln)

Gene: ERCC4 (ERCC excision repair 4, endonuclease catalytic subunit; plus strand). Cytogenetic location: 16p13.12.
Variant type: single nucleotide variant.
Coding change: c.2105G>A on transcript NM_005236.3 (MANE Select); coding-DNA position 2105, G replaced by A.
Protein change: p.Arg702Gln; replaces arginine 702 with glutamine.
Molecular consequence: missense variant.
Genome position (GRCh38, 1-based): chr16:13,947,701, G>A. VCF-style: chr16-13947701-G-A. GRCh37 (hg19) VCF-style: chr16-14041558-G-A.
Other names: short protein forms R702Q.
Identifiers: ClinVar variation 1362944 (VCV001362944.9), dbSNP rs144058769, ClinGen allele CA7910679.

ClinVar aggregate classification (germline): Uncertain significance. Review status: criteria provided, multiple submitters, no conflicts (2 of 4 stars). 2 submissions from 2 submitters: Uncertain significance (2). Last evaluated 2023-08-21.

Conditions:
Cockayne syndrome. Identifiers: Orphanet 191, MedGen C0009207, MONDO:0016006.
Fanconi anemia complementation group Q. Identifiers: Orphanet 84, MedGen C3808988, MONDO:0014108, OMIM 615272.
Xeroderma pigmentosum, group F (XPF). Also called: ERCC4-Related Xeroderma Pigmentosum; XERODERMA PIGMENTOSUM, TYPE F; Xeroderma pigmentosum, type 6; XERODERMA PIGMENTOSUM VI; XP, GROUP F; XERODERMA PIGMENTOSUM, COMPLEMENTATION GROUP F. Identifiers: MedGen C0268140, MONDO:0010215, OMIM 278760.

Allele frequency attached by ClinVar (database versions not stated): ExAC 0.00001; gnomAD exomes 0.00001; gnomAD 0.00002 and 0.00003; TOPMed 0.00002; ESP Exome Variant Server 0.00015.
gnomAD v4.1: 17 of 1,614,044 alleles (0.0011%); highest among the groups gnomAD compares: South Asian, 0.0055%; no homozygotes.

Submissions (2):

Blueprint Genetics
Classification: Uncertain significance. Last evaluated: 2023-08-21. Review status: criteria provided, single submitter. Criteria: ACMG Guidelines, 2015. Collection method: clinical testing. Allele origin: germline.

Labcorp Genetics (formerly Invitae), Labcorp
Classification: Uncertain significance for Fanconi anemia complementation group Q; Xeroderma pigmentosum, group F; Cockayne syndrome. Last evaluated: 2021-06-05. Review status: criteria provided, single submitter. Criteria: Invitae Variant Classification Sherloc (09022015). Collection method: clinical testing. Allele origin: germline.
Comment: This variant is present in population databases (rs144058769, ExAC 0.01%). In summary, the available evidence is currently insufficient to determine the role of this variant in disease. Therefore, it has been classified as a Variant of Uncertain Significance. Algorithms developed to predict the effect of sequence changes on RNA splicing suggest that this variant may create or strengthen a splice site, but this prediction has not been confirmed by published transcriptional studies. Algorithms developed to predict the effect of missense changes on protein structure and function are either unavailable or do not agree on the potential impact of this missense change (SIFT: "Tolerated"; PolyPhen-2: "Probably Damaging"; Align-GVGD: "Class C0"). This variant has not been reported in the literature in individuals with ERCC4-related conditions. This sequence change replaces arginine with glutamine at codon 702 of the ERCC4 protein (p.Arg702Gln). The arginine residue is highly conserved and there is a small physicochemical difference between arginine and glutamine.